The following is an entry in ClinVar:

NM_004336.5(BUB1):c.3245G>A (p.Arg1082His)

Gene: BUB1 (BUB1 mitotic checkpoint serine/threonine kinase; minus strand). Cytogenetic location: 2q13.
Variant type: single nucleotide variant.
Coding change: c.3245G>A on transcript NM_004336.5 (MANE Select); coding-DNA position 3245, G replaced by A.
Protein change: p.Arg1082His; replaces arginine 1082 with histidine.
Molecular consequence: missense variant.
Genome position (GRCh38, 1-based): chr2:110,637,977, C>T on the plus strand (G>A on the coding strand, the complement: BUB1 is on the minus strand). VCF-style: chr2-110637977-C-T. GRCh37 (hg19) VCF-style: chr2-111395554-C-T.
Other names: c.3185G>A, p.Arg1062His (NM_001278616.2); c.3074G>A, p.Arg1025His (NM_001278617.2); short protein forms R1082H, R1025H, R1062H.
Identifiers: ClinVar variation 3720356 (VCV003720356.2).

ClinVar aggregate classification (germline): Uncertain significance (1 of 4 stars; one submission).

gnomAD v4.1: 21 of 1,494,644 alleles (0.0014%); highest among the groups gnomAD compares: South Asian, 0.0028%; no homozygotes.

Submission:

Labcorp Genetics (formerly Invitae), Labcorp
Classification: Uncertain significance. Last evaluated: 2024-08-15. Review status: criteria provided, single submitter. Criteria: Invitae Variant Classification Sherloc (09022015). Collection method: clinical testing. Allele origin: germline.
Comment: This sequence change replaces arginine, which is basic and polar, with histidine, which is basic and polar, at codon 1082 of the BUB1 protein (p.Arg1082His). This variant is present in population databases (rs748999502, gnomAD 0.01%). This missense change has been observed in individual(s) with pancreatic ductal adenocarcinoma (PMID: 28767289). Experimental studies and prediction algorithms are not available or were not evaluated, and the functional significance of this variant is currently unknown. In summary, the available evidence is currently insufficient to determine the role of this variant in disease. Therefore, it has been classified as a Variant of Uncertain Significance.

Literature cited by the submitters: PubMed 28767289.